The following is an entry in ClinVar:

NM_152383.5(DIS3L2):c.911G>A (p.Arg304His)

Gene: DIS3L2 (DIS3 like 3'-5' exoribonuclease 2; plus strand). Cytogenetic location: 2q37.1.
Variant type: single nucleotide variant.
Coding change: c.911G>A on transcript NM_152383.5 (MANE Select); coding-DNA position 911, G replaced by A.
Protein change: p.Arg304His; replaces arginine 304 with histidine.
Molecular consequence: missense variant. On other transcripts: non-coding transcript variant (1).
Genome position (GRCh38, 1-based): chr2:232,136,680, G>A. VCF-style: chr2-232136680-G-A. GRCh37 (hg19) VCF-style: chr2-233001390-G-A.
Other names: c.911G>A, p.Arg304His (NM_001257281.2); short protein forms R304H.
Identifiers: ClinVar variation 850138 (VCV000850138.6), dbSNP rs1386953024, ClinGen allele CA351153859.
Genomic context (GRCh38, chr2:232,136,680, plus strand): 5'-ACTGTCCCCAGGACTTTGTGGCACGGCCTAAAGATTATGCCAACACACTGTTCATCTGCC[G>A]CATTGTGGACTGGAAGGAGGACTGCAATTTTGCCCTGGGGTAGGTGATCTCTGGTAGGAA-3'
Protein context (NP_689596.4, residues 294-314): KDYANTLFIC[Arg304His]IVDWKEDCNF

ClinVar aggregate classification (germline): Uncertain significance. Review status: criteria provided, multiple submitters, no conflicts (2 of 4 stars). 2 submissions from 2 submitters: Uncertain significance (2). Last evaluated 2024-06-27.

Conditions:
Perlman syndrome (PRLMNS). Identifiers: Orphanet 2849, MedGen C0796113, MONDO:0009965, OMIM 267000.

Allele frequency attached by ClinVar (database versions not stated): gnomAD 0.00001.
gnomAD v4.1: 8 of 1,613,808 alleles (0.0005%); highest among the groups gnomAD compares: Non-Finnish European, 0.00059%; no homozygotes.

Submissions (2):

St. Jude Molecular Pathology, St. Jude Children's Research Hospital
Classification: Uncertain significance for Perlman syndrome. Last evaluated: 2024-06-27. Review status: criteria provided, single submitter. Criteria: St. Jude Assertion Criteria 2020. Collection method: clinical testing. Allele origin: germline.
Comment: The DIS3L2 c.911G>A (p.Arg304His) missense change has a maximum subpopulation frequency of 0.0065% in gnomAD v2.1.1. The in silico tool REVEL predicts a benign effect on protein function, but to our knowledge this prediction has not been confirmed by functional studies. To our knowledge, this variant has not been reported in individuals with Perlman syndrome. In summary, the evidence currently available is insufficient to determine the clinical significance of this variant. It has therefore been classified as of uncertain significance.

Labcorp Genetics (formerly Invitae), Labcorp
Classification: Uncertain significance for Perlman syndrome. Last evaluated: 2023-04-12. Review status: criteria provided, single submitter. Criteria: Invitae Variant Classification Sherloc (09022015). Collection method: clinical testing. Allele origin: germline.
Comment: In summary, the available evidence is currently insufficient to determine the role of this variant in disease. Therefore, it has been classified as a Variant of Uncertain Significance. Advanced modeling of protein sequence and biophysical properties (such as structural, functional, and spatial information, amino acid conservation, physicochemical variation, residue mobility, and thermodynamic stability) performed at Invitae indicates that this missense variant is not expected to disrupt DIS3L2 protein function. ClinVar contains an entry for this variant (Variation ID: 850138). This variant has not been reported in the literature in individuals affected with DIS3L2-related conditions. This variant is present in population databases (no rsID available, gnomAD 0.007%). This sequence change replaces arginine, which is basic and polar, with histidine, which is basic and polar, at codon 304 of the DIS3L2 protein (p.Arg304His).